The following is an entry in ClinVar:

ClinVar aggregate classification (germline): Uncertain significance. Review status: criteria provided, multiple submitters, no conflicts (2 of 4 stars). 2 submissions from 2 submitters: Uncertain significance (2). Last evaluated 2022-03-07.

Allele frequency attached by ClinVar (database versions not stated): TOPMed below 0.00001; ExAC 0.00001; gnomAD exomes 0.00001 and 0.00002.
gnomAD v4.1: 27 of 1,613,538 alleles (0.0017%); highest among the groups gnomAD compares: South Asian, 0.0044%; no homozygotes.

Submissions (2):

Labcorp Genetics (formerly Invitae), Labcorp
Classification: Uncertain significance. Last evaluated: 2022-03-07. Review status: criteria provided, single submitter. Criteria: Invitae Variant Classification Sherloc (09022015). Collection method: clinical testing. Allele origin: germline.
Comment: In summary, the available evidence is currently insufficient to determine the role of this variant in disease. Therefore, it has been classified as a Variant of Uncertain Significance. Algorithms developed to predict the effect of missense changes on protein structure and function are either unavailable or do not agree on the potential impact of this missense change (SIFT: "Deleterious"; PolyPhen-2: "Probably Damaging"; Align-GVGD: "Class C0"). ClinVar contains an entry for this variant (Variation ID: 808412). This variant has not been reported in the literature in individuals affected with CTDP1-related conditions. This variant is present in population databases (rs771616103, gnomAD 0.003%). This sequence change replaces arginine, which is basic and polar, with glutamine, which is neutral and polar, at codon 772 of the CTDP1 protein (p.Arg772Gln).

CeGaT Center for Human Genetics Tuebingen
Classification: Uncertain significance. Last evaluated: 2016-05-01. Review status: criteria provided, single submitter. Criteria: CeGaT Center For Human Genetics Tuebingen Variant Classification Criteria Version 2. Collection method: clinical testing. Allele origin: germline. Affected: yes. Observed: 1 variant allele.

NM_004715.5(CTDP1):c.2315G>A (p.Arg772Gln)

Gene: CTDP1 (CTD phosphatase 1; plus strand). Cytogenetic location: 18q23.
Variant type: single nucleotide variant.
Coding change: c.2315G>A on transcript NM_004715.5 (MANE Select); coding-DNA position 2315, G replaced by A.
Protein change: p.Arg772Gln; replaces arginine 772 with glutamine.
Molecular consequence: missense variant.
Genome position (GRCh38, 1-based): chr18:79,717,914, G>A. VCF-style: chr18-79717914-G-A. GRCh37 (hg19) VCF-style: chr18-77477914-G-A.
Other names: c.1958G>A, p.Arg653Gln (NM_001202504.1); c.2315G>A, p.Arg772Gln (NM_001318511.2, NM_048368.4); short protein forms R772Q, R653Q.
Identifiers: ClinVar variation 808412 (VCV000808412.46), dbSNP rs771616103, ClinGen allele CA9010550.